The following is an entry in ClinVar:

NM_001142966.3(GREB1L):c.4910_4927del (p.Met1637_Ser1642del)

Gene: GREB1L (GREB1 like retinoic acid receptor coactivator; plus strand). Cytogenetic location: 18q11.2.
Variant type: Deletion.
Coding change: c.4910_4927del on transcript NM_001142966.3 (MANE Select); coding-DNA positions 4910 to 4927, 18 bases deleted (TGGAAGTAGGAGTTTCCA).
Protein change: p.Met1637_Ser1642del.
Genome position (GRCh38, 1-based): chr18:21,515,425-21,515,442, TGGAAGTAGGAGTTTCCA deleted; deleting any 18 consecutive bases within chr18:21,515,422-21,515,442 gives the same sequence; the c. name uses the placement nearest the transcript's 3' end. VCF-style (leftmost placement, unchanged base first): chr18-21515421-CCCATGGAAGTAGGAGTTT-C. GRCh37 (hg19) VCF-style: chr18-19095382-CCCATGGAAGTAGGAGTTT-C.
Other names: c.5039_5056del, p.Met1680_Ser1685del (NM_001410867.1); c.4583_4600del, p.Met1528_Ser1533del (NM_001410868.1).
Identifiers: ClinVar variation 3674917 (VCV003674917.2).

ClinVar aggregate classification (germline): Uncertain significance (1 of 4 stars; one submission).

Submission:

Labcorp Genetics (formerly Invitae), Labcorp
Classification: Uncertain significance. Last evaluated: 2026-01-26. Review status: criteria provided, single submitter. Criteria: Invitae Variant Classification Sherloc (09022015). Collection method: clinical testing. Allele origin: germline.
Comment: This variant, c.4910_4927del, results in the deletion of 6 amino acid(s) of the GREB1L protein (p.Met1637_Ser1642del), but otherwise preserves the integrity of the reading frame. This variant is not present in population databases (gnomAD no frequency). This variant has not been reported in the literature in individuals affected with GREB1L-related conditions. ClinVar contains an entry for this variant (Variation ID: 3674917). Experimental studies and prediction algorithms are not available or were not evaluated, and the functional significance of this variant is currently unknown. In summary, the available evidence is currently insufficient to determine the role of this variant in disease. Therefore, it has been classified as a Variant of Uncertain Significance.